The following is an entry in ClinVar:

NM_017934.7(PHIP):c.5083C>A (p.Leu1695Ile)

Genes: IRAK1BP1 (interleukin 1 receptor associated kinase 1 binding protein 1; plus strand), PHIP (PHIP subunit of CUL4-Ring ligase complex; minus strand). Cytogenetic location: 6q14.1.
Variant type: single nucleotide variant.
Coding change: c.5083C>A on transcript NM_017934.7 (MANE Select); coding-DNA position 5083, C replaced by A.
Protein change: p.Leu1695Ile; replaces leucine 1695 with isoleucine.
Molecular consequence: missense variant.
Genome position (GRCh38, 1-based): chr6:78,941,076, G>T on the plus strand (C>A on the coding strand, the complement: PHIP is on the minus strand). VCF-style: chr6-78941076-G-T. GRCh37 (hg19) VCF-style: chr6-79650793-G-T.
Other names: short protein forms L1695I.
Identifiers: ClinVar variation 2821119 (VCV002821119.3), dbSNP rs1011414294, ClinGen allele CA364633312.

ClinVar aggregate classification (germline): Uncertain significance (1 of 4 stars; one submission).

Submission:

Labcorp Genetics (formerly Invitae), Labcorp
Classification: Uncertain significance. Last evaluated: 2023-10-16. Review status: criteria provided, single submitter. Criteria: Invitae Variant Classification Sherloc (09022015). Collection method: clinical testing. Allele origin: germline.
Comment: This sequence change replaces leucine, which is neutral and non-polar, with isoleucine, which is neutral and non-polar, at codon 1695 of the PHIP protein (p.Leu1695Ile). This variant is not present in population databases (gnomAD no frequency). This variant has not been reported in the literature in individuals affected with PHIP-related conditions. Algorithms developed to predict the effect of missense changes on protein structure and function output the following: SIFT: "Not Available"; PolyPhen-2: "Not Available"; Align-GVGD: "Not Available". The isoleucine amino acid residue is found in multiple mammalian species, which suggests that this missense change does not adversely affect protein function. In summary, the available evidence is currently insufficient to determine the role of this variant in disease. Therefore, it has been classified as a Variant of Uncertain Significance.